The following is an entry in ClinVar:

GRCh37/hg19 22q11.23(chr22:23650873-25043046)x3

Genes: ADORA2A (adenosine A2a receptor; plus strand), BCR (BCR activator of RhoGEF and GTPase; plus strand), C22orf15 (chromosome 22 open reading frame 15; plus strand), CABIN1 (calcineurin binding protein 1; plus strand), CHCHD10 (coiled-coil-helix-coiled-coil-helix domain containing 10; minus strand) and 23 more. Cytogenetic location: 22q11.23.
Variant type: copy number gain.
Change: copy number 3 (three copies instead of two) of chr22:23,650,873-25,043,046 (1.39 Mb, GRCh37 coordinates, 1-based), cytogenetic band 22q11.23.
Identifiers: ClinVar variation 979600 (VCV000979600.2).

ClinVar aggregate classification (germline): Pathogenic (1 of 4 stars; one submission).

Submission:

Quest Diagnostics Nichols Institute San Juan Capistrano
Classification: Pathogenic. Last evaluated: 2022-04-05. Review status: criteria provided, single submitter. Criteria: ACMG/ClinGen CNV Guidelines, 2019. Collection method: clinical testing. Allele origin: unknown.
Comment: The 22q11.23 gain encompasses the type III (LCR F-H) 22q11.2 distal duplication region, which has been reported in patients with developmental delay and other neurocognitive features. In a review of 30 cases by Pinchefsky et al. (Child Neurol Open. 2017 Nov 1;4:2329048X17737651. PMID:29147671), common features included developmental delay (93%), neuropsychiatric features (26%), and nonspecific facial dysmorphism (74%). In 70% of cases, the distal 22q11.2 duplications were inherited and many, but not all, of the carrier parents were phenotypically normal. Thus, reduced penetrance and variable expressivity are exhibited. In a recent publication, whole exome sequencing study identified additional pathogenic sequencing variants in two unrelated severely affected individuals who carry gains of this locus. The authors suggested the relevance of additional genetic testing when clinical presentation is either unusually severe or associated with atypical features. (Demily et al., J Autism Dev Disord. 2018 Aug;48(8):2886-2889. PMID: 29589274). There are also reports of patients with overlapping duplications who have achygyria, seizures, hypotonia, growth retardation, esophageal atresia, tracheoesophageal fistula, and cardiac defects (Chang J, et al., Gene. 2015 Sep 10;569(1):46-50. PMID: 26099517; Puvabanditsin S, et al., Genet Couns. 2015;26(3):313-20. PMID: 26625662; Tan et al. Am J Med Genet A. 2011 Jul;155A(7):1623-33. PMID: 21671380; Wincent et al., Mol Syndromol. 2010;1(5):246-254. PMID: 22140377; Coppinger, et al., Hum Mol Genet. 2009 Apr 15;18(8):1377-83. PMID: 19193630).